The following is an entry in ClinVar:

ClinVar aggregate classification (germline): Likely pathogenic (1 of 4 stars; one submission).

Conditions:
Familial hemiplegic migraine. Identifiers: MedGen C0338484, MONDO:0000700.

Allele frequency attached by ClinVar (database versions not stated): gnomAD exomes below 0.00001; TOPMed below 0.00001.

Submission:

Labcorp Genetics (formerly Invitae), Labcorp
Classification: Likely pathogenic for Familial hemiplegic migraine. Last evaluated: 2021-08-19. Review status: criteria provided, single submitter. Criteria: Invitae Variant Classification Sherloc (09022015). Collection method: clinical testing. Allele origin: germline.
Comment: Advanced modeling of protein sequence and biophysical properties (such as structural, functional, and spatial information, amino acid conservation, physicochemical variation, residue mobility, and thermodynamic stability) performed at Invitae indicates that this missense variant is expected to disrupt ATP1A2 protein function. This variant disrupts the p.Arg202 amino acid residue in ATP1A2. Other variant(s) that disrupt this residue have been determined to be pathogenic (PMID: 17142831, 22117059). This suggests that this residue is clinically significant, and that variants that disrupt this residue are likely to be disease-causing. In summary, the currently available evidence indicates that the variant is pathogenic, but additional data are needed to prove that conclusively. Therefore, this variant has been classified as Likely Pathogenic. This sequence change replaces arginine with tryptophan at codon 202 of the ATP1A2 protein (p.Arg202Trp). The arginine residue is highly conserved and there is a moderate physicochemical difference between arginine and tryptophan. This variant is not present in population databases (ExAC no frequency). This variant has not been reported in the literature in individuals affected with ATP1A2-related conditions.

Literature cited by the submitters: PubMed 17142831; PubMed 22117059.

NM_000702.4(ATP1A2):c.604C>T (p.Arg202Trp)

Genes: ATP1A2 (ATPase Na+/K+ transporting subunit alpha 2; plus strand), LOC126805890 (CDK7 strongly-dependent group 2 enhancer GRCh37_chr1:160093987-160095186; plus strand). Cytogenetic location: 1q23.2.
Variant type: single nucleotide variant.
Coding change: c.604C>T on transcript NM_000702.4 (MANE Select); coding-DNA position 604, C replaced by T.
Protein change: p.Arg202Trp; replaces arginine 202 with tryptophan.
Molecular consequence: missense variant.
Genome position (GRCh38, 1-based): chr1:160,124,404, C>T. VCF-style: chr1-160124404-C-T. GRCh37 (hg19) VCF-style: chr1-160094194-C-T.
Other names: short protein forms R202W.
Identifiers: ClinVar variation 1471341 (VCV001471341.6), dbSNP rs1219118149, ClinGen allele CA343234030.